The following is an entry in ClinVar:

NM_019066.5(MAGEL2):c.935C>T (p.Ala312Val)

Gene: MAGEL2 (MAGE family member L2; minus strand). Cytogenetic location: 15q11.2.
Variant type: single nucleotide variant.
Coding change: c.935C>T on transcript NM_019066.5 (MANE Select); coding-DNA position 935, C replaced by T.
Protein change: p.Ala312Val; replaces alanine 312 with valine.
Molecular consequence: missense variant.
Genome position (GRCh38, 1-based): chr15:23,646,808, G>A on the plus strand (C>T on the coding strand, the complement: MAGEL2 is on the minus strand). VCF-style: chr15-23646808-G-A. GRCh37 (hg19) VCF-style: chr15-23891955-G-A.
Other names: short protein forms A312V.
Identifiers: ClinVar variation 2176664 (VCV002176664.4), dbSNP rs866247144, ClinGen allele CA267660880.
Genomic context (GRCh38, chr15:23,646,808, plus strand): 5'-TGCGGGGCCCAAGAAGCCATCGGCTGTGCAGGTGGGGCCATCGGCTGTGCAGGTGGGGCC[G>A]CCGGCTGTGCCATCGGTGCTCCTGAAGCTGGAGGCTGGGTCATCGGAGCTCTCGCACCTG-3'
Protein context (NP_061939.3, residues 302-322): PASGAPMAQP[Ala312Val]APPAQPMAPP

ClinVar aggregate classification (germline): Uncertain significance (1 of 4 stars; one submission).

Allele frequency attached by ClinVar (database versions not stated): gnomAD exomes below 0.00001.

Submission:

Labcorp Genetics (formerly Invitae), Labcorp
Classification: Uncertain significance. Last evaluated: 2023-08-17. Review status: criteria provided, single submitter. Criteria: Invitae Variant Classification Sherloc (09022015). Collection method: clinical testing. Allele origin: germline.
Comment: This variant is not present in population databases (gnomAD no frequency). This sequence change replaces alanine, which is neutral and non-polar, with valine, which is neutral and non-polar, at codon 312 of the MAGEL2 protein (p.Ala312Val). This variant has not been reported in the literature in individuals affected with MAGEL2-related conditions. In summary, the available evidence is currently insufficient to determine the role of this variant in disease. Therefore, it has been classified as a Variant of Uncertain Significance. Algorithms developed to predict the effect of missense changes on protein structure and function output the following: SIFT: "Not Available"; PolyPhen-2: "Not Available"; Align-GVGD: "Not Available". The valine amino acid residue is found in multiple mammalian species, which suggests that this missense change does not adversely affect protein function. ClinVar contains an entry for this variant (Variation ID: 2176664).